The following is an entry in ClinVar:

ClinVar aggregate classification (germline): Likely benign. Review status: criteria provided, multiple submitters, no conflicts (2 of 4 stars). 3 submissions from 3 submitters: Likely benign (3). Last evaluated 2026-09-01.

Allele frequency attached by ClinVar (database versions not stated): gnomAD 0.00258 and 0.00268; ESP Exome Variant Server 0.00278; ExAC 0.00296; gnomAD exomes 0.00296 and 0.00336; TOPMed 0.00316; 1000 Genomes Project 0.00359; 1000 Genomes Project 30x 0.00359.
gnomAD v4.1: 5,287 of 1,614,088 alleles (0.33%); highest among the groups gnomAD compares: Admixed American, 0.5%; 22 homozygotes.

Submissions (3):

CeGaT Center for Human Genetics Tuebingen
Classification: Likely benign. Last evaluated: 2026-09-01. Review status: criteria provided, single submitter. Criteria: CeGaT Center For Human Genetics Tuebingen Variant Classification Criteria Version 2. Collection method: clinical testing. Allele origin: germline. Affected: yes. Observed: 1 variant allele.
Comment: DNAH7: BS2

Labcorp Genetics (formerly Invitae), Labcorp
Classification: Likely benign. Last evaluated: 2018-12-03. Review status: criteria provided, single submitter. Criteria: Invitae Variant Classification Sherloc (09022015). Collection method: clinical testing. Allele origin: germline.

Breakthrough Genomics
Classification: Likely benign. Review status: criteria provided, single submitter. Criteria: ACMG Guidelines, 2015. Collection method: not provided. Allele origin: germline. Inheritance: Unknown mechanism. Affected: yes.

NM_018897.3(DNAH7):c.7448G>A (p.Arg2483Gln)

Gene: DNAH7 (dynein axonemal heavy chain 7; minus strand). Cytogenetic location: 2q32.3.
Variant type: single nucleotide variant.
Coding change: c.7448G>A on transcript NM_018897.3 (MANE Select); coding-DNA position 7448, G replaced by A.
Protein change: p.Arg2483Gln; replaces arginine 2483 with glutamine.
Molecular consequence: missense variant.
Genome position (GRCh38, 1-based): chr2:195,864,207, C>T on the plus strand (G>A on the coding strand, the complement: DNAH7 is on the minus strand). VCF-style: chr2-195864207-C-T. GRCh37 (hg19) VCF-style: chr2-196728931-C-T.
Other names: short protein forms R2483Q.
Identifiers: ClinVar variation 781952 (VCV000781952.5), dbSNP rs146463525, ClinGen allele CA2034878.